The following is an entry in ClinVar:

ClinVar aggregate classification (germline): Pathogenic. Review status: criteria provided, multiple submitters, no conflicts (2 of 4 stars). 2 submissions from 2 submitters: Pathogenic (2). Last evaluated 2025-01-06.

Conditions:
Bethlem myopathy 1A. Also called: Bethlem Muscular Dystrophy; MYOPATHY, BENIGN CONGENITAL, WITH CONTRACTURES; Bethlem myopathy 1. Identifiers: Orphanet 610, MedGen CN029274, MONDO:0024530, OMIM 158810.

Submissions (2):

Labcorp Genetics (formerly Invitae), Labcorp
Classification: Pathogenic for Bethlem myopathy 1A. Last evaluated: 2025-01-06. Review status: criteria provided, single submitter. Criteria: Invitae Variant Classification Sherloc (09022015). Collection method: clinical testing. Allele origin: germline.
Comment: This sequence change affects a donor splice site in intron 11 of the COL6A2 gene. It is expected to disrupt RNA splicing. Variants that disrupt the donor or acceptor splice site typically lead to a loss of protein function (PMID: 16199547), and loss-of-function variants in COL6A2 are known to be disease-causing for autosomal recessive COL6A2-related conditions (PMID: 21280092, 20976770). However, certain variants affecting donor or acceptor splice sites in the triple helical domain of COL6A2 are expected to result in in-frame exon skipping and have been reported to cause autosomal dominant COL6A2-related conditions (PMID: 18366090). This variant is not present in population databases (gnomAD no frequency). Disruption of this splice site has been observed in individuals with clinical features of autosomal dominant COL6A2-related conditions (PMID: 18378883, 24271325). ClinVar contains an entry for this variant (Variation ID: 285712). Algorithms developed to predict the effect of sequence changes on RNA splicing suggest that this variant may disrupt the consensus splice site. For these reasons, this variant has been classified as Pathogenic.

Eurofins Ntd Llc (ga)
Classification: Pathogenic. Last evaluated: 2016-01-22. Review status: criteria provided, single submitter. Criteria: EGL Classification Definitions 2015. Collection method: clinical testing. Allele origin: germline. Observed: 1 variant allele, 1 heterozygote.

Literature cited by the submitters: PubMed 16199547 (cited by Labcorp Genetics (formerly Invitae), Labcorp); PubMed 21280092 (cited by Labcorp Genetics (formerly Invitae), Labcorp); PubMed 20976770 (cited by Labcorp Genetics (formerly Invitae), Labcorp); PubMed 18366090 (cited by Labcorp Genetics (formerly Invitae), Labcorp); PubMed 18378883 (cited by Labcorp Genetics (formerly Invitae), Labcorp); PubMed 24271325 (cited by Labcorp Genetics (formerly Invitae), Labcorp).

NM_001849.4(COL6A2):c.1053+1G>A

Gene: COL6A2 (collagen type VI alpha 2 chain; plus strand). Cytogenetic location: 21q22.3.
Variant type: single nucleotide variant.
Coding change: c.1053+1G>A on transcript NM_001849.4 (MANE Select); the canonical splice donor site of the intron after coding-DNA position 1053, G replaced by A.
Molecular consequence: splice donor variant.
Genome position (GRCh38, 1-based): chr21:46,117,454, G>A. VCF-style: chr21-46117454-G-A. GRCh37 (hg19) VCF-style: chr21-47537368-G-A.
Other names: c.1053+1G>A (NM_058175.3, NM_058174.3).
Identifiers: ClinVar variation 285712 (VCV000285712.10), dbSNP rs886043187, ClinGen allele CA10605216.